The following is an entry in ClinVar:

NM_006231.4(POLE):c.4220A>G (p.Tyr1407Cys)

Gene: POLE (DNA polymerase epsilon, catalytic subunit; minus strand). Cytogenetic location: 12q24.33.
Variant type: single nucleotide variant.
Coding change: c.4220A>G on transcript NM_006231.4 (MANE Select); coding-DNA position 4220, A replaced by G.
Protein change: p.Tyr1407Cys; replaces tyrosine 1407 with cysteine.
Molecular consequence: missense variant.
Genome position (GRCh38, 1-based): chr12:132,643,907, T>C on the plus strand (A>G on the coding strand, the complement: POLE is on the minus strand). VCF-style: chr12-132643907-T-C. GRCh37 (hg19) VCF-style: chr12-133220493-T-C.
Other names: c.4220A>G (NM_006231.2); short protein forms Y1407C.
Identifiers: ClinVar variation 619721 (VCV000619721.11), dbSNP rs775556994, ClinGen allele CA387382168.

ClinVar aggregate classification (germline): Uncertain significance. Review status: criteria provided, multiple submitters, no conflicts (2 of 4 stars). 3 submissions from 3 submitters: Uncertain significance (3). Last evaluated 2024-07-16.

Conditions:
Hereditary cancer-predisposing syndrome. Also called: Neoplastic Syndromes, Hereditary; Hereditary neoplastic syndrome; Tumor predisposition; Hereditary Cancer Syndrome. Identifiers: Orphanet 140162, MedGen C0027672, MeSH D009386, MONDO:0015356.

gnomAD v4.1: 1 of 1,614,156 alleles (0.000062%); highest among the groups gnomAD compares: African/African-American, 0.0013%; no homozygotes.

Submissions (3):

Labcorp Genetics (formerly Invitae), Labcorp
Classification: Uncertain significance. Last evaluated: 2024-07-16. Review status: criteria provided, single submitter. Criteria: Invitae Variant Classification Sherloc (09022015). Collection method: clinical testing. Allele origin: germline.
Comment: This sequence change replaces tyrosine, which is neutral and polar, with cysteine, which is neutral and slightly polar, at codon 1407 of the POLE protein (p.Tyr1407Cys). This variant is not present in population databases (gnomAD no frequency). This variant has not been reported in the literature in individuals affected with POLE-related conditions. ClinVar contains an entry for this variant (Variation ID: 619721). Advanced modeling of protein sequence and biophysical properties (such as structural, functional, and spatial information, amino acid conservation, physicochemical variation, residue mobility, and thermodynamic stability) performed at Invitae indicates that this missense variant is expected to disrupt POLE protein function with a positive predictive value of 80%. In summary, the available evidence is currently insufficient to determine the role of this variant in disease. Therefore, it has been classified as a Variant of Uncertain Significance.

Ambry Genetics
Classification: Uncertain significance for Hereditary cancer-predisposing syndrome. Last evaluated: 2024-05-01. Review status: criteria provided, single submitter. Criteria: Ambry Variant Classification Scheme 2023. Collection method: clinical testing. Allele origin: germline.
Comment: The p.Y1407C variant (also known as c.4220A>G), located in coding exon 33 of the POLE gene, results from an A to G substitution at nucleotide position 4220. The tyrosine at codon 1407 is replaced by cysteine, an amino acid with highly dissimilar properties. This amino acid position is conserved. In addition, the in silico prediction for this alteration is inconclusive. Based on the available evidence, the clinical significance of this variant remains unclear.

Quest Diagnostics Nichols Institute San Juan Capistrano
Classification: Uncertain significance. Last evaluated: 2017-11-20. Review status: criteria provided, single submitter. Criteria: Quest Diagnostics criteria. Collection method: clinical testing. Allele origin: germline.